The following is an entry in ClinVar:

NM_005518.4(HMGCS2):c.334C>T (p.Arg112Trp)

Gene: HMGCS2 (3-hydroxy-3-methylglutaryl-CoA synthase 2; minus strand). Cytogenetic location: 1p12.
Variant type: single nucleotide variant.
Coding change: c.334C>T on transcript NM_005518.4 (MANE Select); coding-DNA position 334, C replaced by T.
Protein change: p.Arg112Trp; replaces arginine 112 with tryptophan.
Molecular consequence: missense variant.
Genome position (GRCh38, 1-based): chr1:119,764,397, G>A on the plus strand (C>T on the coding strand, the complement: HMGCS2 is on the minus strand). VCF-style: chr1-119764397-G-A. GRCh37 (hg19) VCF-style: chr1-120307020-G-A.
Other names: c.334C>T, p.Arg112Trp (NM_001166107.1); short protein forms R112W.
Identifiers: ClinVar variation 2052100 (VCV002052100.7), dbSNP rs768707273, ClinGen allele CA1037908.

ClinVar aggregate classification (germline): Conflicting classifications of pathogenicity. Review status: criteria provided, conflicting classifications (1 of 4 stars). 2 submissions from 2 submitters: Likely pathogenic (1); Uncertain significance (1). Last evaluated 2023-09-21.

Conditions:
3-hydroxy-3-methylglutaryl-CoA synthase deficiency (HMGCS2D). Also called: HMG-CoA synthase-2 deficiency; HMGCS2 DEFICIENCY; MITOCHONDRIAL HMG-CoA SYNTHASE DEFICIENCY. Identifiers: Orphanet 35701, MedGen C2751532, MONDO:0011614, OMIM 605911.

Allele frequency attached by ClinVar (database versions not stated): ExAC 0.00002; gnomAD 0.00002; TOPMed 0.00002.
gnomAD v4.1: 33 of 1,614,088 alleles (0.002%); highest among the groups gnomAD compares: South Asian, 0.0055%; no homozygotes.

Submissions (2):

Labcorp Genetics (formerly Invitae), Labcorp
Classification: Uncertain significance for 3-hydroxy-3-methylglutaryl-CoA synthase deficiency. Last evaluated: 2023-09-21. Review status: criteria provided, single submitter. Criteria: Invitae Variant Classification Sherloc (09022015). Collection method: clinical testing. Allele origin: germline.
Comment: In summary, the available evidence is currently insufficient to determine the role of this variant in disease. Therefore, it has been classified as a Variant of Uncertain Significance. Experimental studies have shown that this missense change affects HMGCS2 function (PMID: 29597274). Advanced modeling of protein sequence and biophysical properties (such as structural, functional, and spatial information, amino acid conservation, physicochemical variation, residue mobility, and thermodynamic stability) has been performed at Invitae for this missense variant, however the output from this modeling did not meet the statistical confidence thresholds required to predict the impact of this variant on HMGCS2 protein function. ClinVar contains an entry for this variant (Variation ID: 2052100). This missense change has been observed in individual(s) with clinical features of HMG-CoA synthase-2 deficiency (PMID: 29597274). This variant is present in population databases (rs768707273, gnomAD 0.002%). This sequence change replaces arginine, which is basic and polar, with tryptophan, which is neutral and slightly polar, at codon 112 of the HMGCS2 protein (p.Arg112Trp).

Revvity Omics, Revvity
Classification: Likely pathogenic for 3-hydroxy-3-methylglutaryl-CoA synthase deficiency. Last evaluated: 2023-04-19. Review status: criteria provided, single submitter. Criteria: ACMG Guidelines, 2015. Collection method: clinical testing. Allele origin: germline.

Literature cited by the submitters: PubMed 29597274 (cited by Labcorp Genetics (formerly Invitae), Labcorp).